The following is an entry in ClinVar:

NM_002470.4(MYH3):c.3102C>T (p.Asp1034=)

Gene: MYH3 (myosin heavy chain 3; minus strand). Cytogenetic location: 17p13.1.
Variant type: single nucleotide variant.
Coding change: c.3102C>T on transcript NM_002470.4 (MANE Select); coding-DNA position 3102, C replaced by T.
Protein change: p.Asp1034=; no amino-acid change (aspartic acid 1034 retained).
Molecular consequence: synonymous variant.
Genome position (GRCh38, 1-based): chr17:10,639,298, G>A on the plus strand (C>T on the coding strand, the complement: MYH3 is on the minus strand). VCF-style: chr17-10639298-G-A. GRCh37 (hg19) VCF-style: chr17-10542615-G-A.
Identifiers: ClinVar variation 2106230 (VCV002106230.4), dbSNP rs1359750024, ClinGen allele CA497978578.

ClinVar aggregate classification (germline): Uncertain significance (1 of 4 stars; one submission).

Allele frequency attached by ClinVar (database versions not stated): TOPMed 0.00003; gnomAD 0.00004; gnomAD exomes 0.00001.
gnomAD v4.1: 18 of 1,613,988 alleles (0.0011%); highest among the groups gnomAD compares: East Asian, 0.0022%; no homozygotes.

Submission:

Labcorp Genetics (formerly Invitae), Labcorp
Classification: Uncertain significance. Last evaluated: 2025-07-20. Review status: criteria provided, single submitter. Criteria: Invitae Variant Classification Sherloc (09022015). Collection method: clinical testing. Allele origin: germline.
Comment: This sequence change affects codon 1034 of the MYH3 mRNA. It is a 'silent' change, meaning that it does not change the encoded amino acid sequence of the MYH3 protein. It affects a nucleotide within the consensus splice site. This variant is present in population databases (no rsID available, gnomAD 0.002%). This variant has not been reported in the literature in individuals affected with MYH3-related conditions. ClinVar contains an entry for this variant (Variation ID: 2106230). Algorithms developed to predict the effect of sequence changes on RNA splicing suggest that this variant is not likely to affect RNA splicing. In summary, the available evidence is currently insufficient to determine the role of this variant in disease. Therefore, it has been classified as a Variant of Uncertain Significance.